The following is an entry in ClinVar:

NM_032043.3(BRIP1):c.2479C>T (p.Gln827Ter)

Gene: BRIP1 (BRCA1 interacting DNA helicase 1; minus strand). Cytogenetic location: 17q23.2.
Variant type: single nucleotide variant.
Coding change: c.2479C>T on transcript NM_032043.3 (MANE Select); coding-DNA position 2479, C replaced by T.
Protein change: p.Gln827Ter; replaces glutamine 827 with a stop codon.
Molecular consequence: nonsense.
Genome position (GRCh38, 1-based): chr17:61,715,964, G>A on the plus strand (C>T on the coding strand, the complement: BRIP1 is on the minus strand). VCF-style: chr17-61715964-G-A. GRCh37 (hg19) VCF-style: chr17-59793325-G-A.
Other names: short protein forms Q827*.
Identifiers: ClinVar variation 241641 (VCV000241641.20), dbSNP rs786203898, ClinGen allele CA10583622.

ClinVar aggregate classification (germline): Pathogenic. Review status: criteria provided, multiple submitters, no conflicts (2 of 4 stars). 4 submissions from 4 submitters: Pathogenic (4). Last evaluated 2025-09-18.

Conditions:
Hereditary cancer-predisposing syndrome. Also called: Neoplastic Syndromes, Hereditary; Tumor predisposition; Hereditary neoplastic syndrome; Hereditary Cancer Syndrome. Identifiers: Orphanet 140162, MedGen C0027672, MeSH D009386, MONDO:0015356.
Familial cancer of breast. Also called: BREAST CANCER, FAMILIAL; Hereditary breast cancer; hereditary breast carcinoma. Identifiers: Orphanet 227535, MedGen C0346153, MONDO:0016419, OMIM 114480. Disease mechanism: loss of function.
Fanconi anemia complementation group J. Also called: BRIP1-Related Fanconi Anemia. Identifiers: Orphanet 84, MedGen C1836860, MONDO:0012187, OMIM 609054.

Allele frequency attached by ClinVar (database versions not stated): gnomAD exomes 0.00001.
gnomAD v4.1: 8 of 1,597,716 alleles (0.0005%); highest among the groups gnomAD compares: Non-Finnish European, 0.00069%; no homozygotes.

Submissions (4):

Ambry Genetics
Classification: Pathogenic for Hereditary cancer-predisposing syndrome. Last evaluated: 2025-09-18. Review status: criteria provided, single submitter. Criteria: Ambry Variant Classification Scheme 2023. Collection method: clinical testing. Allele origin: germline.
Comment: The p.Q827* pathogenic mutation (also known as c.2479C>T), located in coding exon 16 of the BRIP1 gene, results from a C to T substitution at nucleotide position 2479. This changes the amino acid from a glutamine to a stop codon within coding exon 16. This variant is considered to be rare based on population cohorts in the Genome Aggregation Database (gnomAD). This alteration is expected to result in loss of function by premature protein truncation or nonsense-mediated mRNA decay. As such, this alteration is interpreted as a disease-causing mutation.

Labcorp Genetics (formerly Invitae), Labcorp
Classification: Pathogenic for Familial cancer of breast; Fanconi anemia complementation group J. Last evaluated: 2024-11-26. Review status: criteria provided, single submitter. Criteria: Invitae Variant Classification Sherloc (09022015). Collection method: clinical testing. Allele origin: germline.
Comment: This sequence change creates a premature translational stop signal (p.Gln827*) in the BRIP1 gene. It is expected to result in an absent or disrupted protein product. Loss-of-function variants in BRIP1 are known to be pathogenic (PMID: 16116423, 17033622, 21964575). This variant is not present in population databases (gnomAD no frequency). This variant has not been reported in the literature in individuals affected with BRIP1-related conditions. ClinVar contains an entry for this variant (Variation ID: 241641). For these reasons, this variant has been classified as Pathogenic.

Myriad Genetics, Inc.
Classification: Pathogenic for Familial cancer of breast. Last evaluated: 2023-06-06. Review status: criteria provided, single submitter. Criteria: Myriad Autosomal Dominant, Autosomal Recessive and X-Linked Classification Criteria (2023). Collection method: clinical testing. Allele origin: unknown.
Comment: This variant is considered pathogenic. This variant creates a termination codon and is predicted to result in premature protein truncation.

Color Diagnostics, LLC DBA Color Health
Classification: Pathogenic for Hereditary cancer-predisposing syndrome. Last evaluated: 2020-02-24. Review status: criteria provided, single submitter. Criteria: ACMG Guidelines, 2015. Collection method: clinical testing. Allele origin: germline.
Comment: This variant changes 1 nucleotide in exon 17 of the BRIP1 gene, creating a premature translation stop signal. This variant is expected to result in an absent or non-functional protein product. To our knowledge, this variant has not been reported in individuals affected with hereditary cancer in the literature. This variant has not been identified in the general population by the Genome Aggregation Database (gnomAD). Loss of BRIP1 function is a known mechanism of disease. Based on the available evidence, this variant is classified as Pathogenic.

Literature cited by the submitters: PubMed 16116423 (cited by Labcorp Genetics (formerly Invitae), Labcorp); PubMed 17033622 (cited by Labcorp Genetics (formerly Invitae), Labcorp); PubMed 21964575 (cited by Labcorp Genetics (formerly Invitae), Labcorp).